The following is an entry in ClinVar:

NM_001395656.1(ROBO2):c.3536C>G (p.Ala1179Gly)

Gene: ROBO2 (roundabout guidance receptor 2; plus strand). Cytogenetic location: 3p12.3.
Variant type: single nucleotide variant.
Coding change: c.3536C>G on transcript NM_001395656.1 (MANE Select); coding-DNA position 3536, C replaced by G.
Protein change: p.Ala1179Gly; replaces alanine 1179 with glycine.
Molecular consequence: missense variant.
Genome position (GRCh38, 1-based): chr3:77,617,743, C>G. VCF-style: chr3-77617743-C-G. GRCh37 (hg19) VCF-style: chr3-77666894-C-G.
Other names: c.3572C>G, p.Ala1191Gly (NM_001128929.3); c.3536C>G, p.Ala1179Gly (NM_001290039.2, NM_001290040.2); c.1745C>G, p.Ala582Gly (NM_001290065.2); c.3584C>G, p.Ala1195Gly (NM_001378190.1, NM_001378200.1, NM_001378201.1 and 1 more transcripts); c.3710C>G, p.Ala1237Gly (NM_001378191.1, NM_001378195.1, NM_001378196.1); c.3605C>G, p.Ala1202Gly (NM_001378192.1, NM_001378198.1, NM_001378199.1); c.3524C>G, p.Ala1175Gly (NM_001378193.1, NM_002942.5); c.3722C>G, p.Ala1241Gly (NM_001378194.1); and 5 more; short protein forms A1198G, A1237G, A1244G, A582G, A1179G, A1175G, A1191G, A1195G.
Identifiers: ClinVar variation 4992300 (VCV004992300.1).

ClinVar aggregate classification (germline): Uncertain significance (1 of 4 stars; one submission).

Conditions:
ROBO2-related disorder. Also called: ROBO2-related condition.

gnomAD v4.1: 1 of 1,613,716 alleles (0.000062%); highest among the groups gnomAD compares: Middle Eastern, 0.017%; no homozygotes.

Submission:

PreventionGenetics, part of Exact Sciences
Classification: Uncertain significance for ROBO2-related condition. Last evaluated: 2024-10-21. Review status: criteria provided, single submitter. Criteria: ACMG Guidelines, 2015. Collection method: clinical testing. Allele origin: germline.
Comment: The ROBO2 c.3572C>G variant is predicted to result in the amino acid substitution p.Ala1191Gly. To our knowledge, this variant has not been reported in the literature or in a large population database (gnomAD), indicating this variant is rare. This variant is also known as c.3524C>G (p.Ala1175Gly) on a widely used transcript NM_002942 in the literature. At this time, the clinical significance of this variant is uncertain due to the absence of conclusive functional and genetic evidence.